The following is an entry in ClinVar:

NM_001042472.3(ABHD12):c.1131G>C (p.Lys377Asn)

Gene: ABHD12 (abhydrolase domain containing 12, lysophospholipase; minus strand). Cytogenetic location: 20p11.21.
Variant type: single nucleotide variant.
Coding change: c.1131G>C on transcript NM_001042472.3 (MANE Select); coding-DNA position 1131, G replaced by C.
Protein change: p.Lys377Asn; replaces lysine 377 with asparagine.
Molecular consequence: missense variant.
Genome position (GRCh38, 1-based): chr20:25,302,245, C>G on the plus strand (G>C on the coding strand, the complement: ABHD12 is on the minus strand). VCF-style: chr20-25302245-C-G. GRCh37 (hg19) VCF-style: chr20-25282881-C-G.
Other names: c.1131G>C, p.Lys377Asn (NM_015600.5); short protein forms K377N.
Identifiers: ClinVar variation 862615 (VCV000862615.9), dbSNP rs1250152620, ClinGen allele CA408453865.
Genomic context (GRCh38, chr20:25,302,245, plus strand): 5'-GACGAAGCCCCTGGGTGGGAAGAGAATGTCTCACCTCAGTATCCGTGGCAGCTCAGGGCT[C>G]TTGTAAATGTATTTGTGCCTGTAGCCAAGGTCTGAATGAAAGGGCACAAACTGAACTTTG-3'
Protein context (NP_001035937.1, residues 367-387): DLGYRHKYIY[Lys377Asn]SPELPRILRE

ClinVar aggregate classification (germline): Uncertain significance (1 of 4 stars; one submission).

Allele frequency attached by ClinVar (database versions not stated): gnomAD exomes below 0.00001.
gnomAD v4.1: 2 of 1,613,606 alleles (0.00012%); highest among the groups gnomAD compares: Admixed American, 0.0017%; no homozygotes.

Submission:

Labcorp Genetics (formerly Invitae), Labcorp
Classification: Uncertain significance. Last evaluated: 2019-12-06. Review status: criteria provided, single submitter. Criteria: Invitae Variant Classification Sherloc (09022015). Collection method: clinical testing. Allele origin: germline.
Comment: Algorithms developed to predict the effect of missense changes on protein structure and function are either unavailable or do not agree on the potential impact of this missense change (SIFT: "Deleterious"; PolyPhen-2: "Benign"; Align-GVGD: "Class C35"). This variant has not been reported in the literature in individuals with ABHD12-related conditions. This variant is not present in population databases (ExAC no frequency). This sequence change replaces lysine with asparagine at codon 377 of the ABHD12 protein (p.Lys377Asn). The lysine residue is weakly conserved and there is a moderate physicochemical difference between lysine and asparagine. In summary, the available evidence is currently insufficient to determine the role of this variant in disease. Therefore, it has been classified as a Variant of Uncertain Significance.